The following is an entry in ClinVar:

NR_001564.3(XIST):n.17781C>T

Genes: TSIX (TSIX transcript, XIST antisense RNA; plus strand), XIST (X inactive specific transcript; minus strand). Cytogenetic location: Xq13.2.
Variant type: single nucleotide variant.
Molecular consequence: non-coding transcript variant (on NR_003255.2).
Genome position: GRCh38 VCF-style: chrX-73822111-G-A. GRCh37 (hg19) VCF-style: chrX-73041946-G-A.
Identifiers: ClinVar variation 3048676 (VCV003048676.2), dbSNP rs746371115, ClinGen allele CA10451852.

ClinVar aggregate classification (germline): Likely benign (0 of 4 stars; one submission).

Conditions:
XIST-related disorder. Also called: XIST-related condition.

Allele frequency attached by ClinVar (database versions not stated): TOPMed 0.00012; gnomAD 0.00014; ExAC 0.00042; 1000 Genomes Project 30x 0.00083; 1000 Genomes Project 0.00106.
gnomAD v4.1: 62 of 557,398 alleles (0.011%); highest among the groups gnomAD compares: East Asian, 0.2%; no homozygotes.

Submission:

PreventionGenetics, part of Exact Sciences
Classification: Likely benign for XIST-related condition. Last evaluated: 2019-12-13. Review status: no assertion criteria provided. Collection method: clinical testing. Allele origin: germline.
Comment: This variant is classified as likely benign based on ACMG/AMP sequence variant interpretation guidelines (Richards et al. 2015 PMID: 25741868, with internal and published modifications).